The following is an entry in ClinVar:

ClinVar aggregate classification (germline): Likely benign (1 of 4 stars; one submission).

Conditions:
Cystic fibrosis (CF). Also called: MUCOVISCIDOSIS. Identifiers: Orphanet 586, MedGen C0010674, MONDO:0009061, OMIM 219700. Disease mechanism: loss of function.

Submission:

Johns Hopkins Genomics, Johns Hopkins University
Classification: Likely benign for Cystic fibrosis. Last evaluated: 2024-02-29. Review status: criteria provided, single submitter. Criteria: ACMG Guidelines, 2015. Collection method: clinical testing. Allele origin: germline.
Comment: PM2, PP4, BP4, BP7

NM_000492.4(CFTR):c.2620-2316C>T

Gene: CFTR (CF transmembrane conductance regulator; plus strand). Cytogenetic location: 7q31.2.
Variant type: single nucleotide variant.
Coding change: c.2620-2316C>T on transcript NM_000492.4 (MANE Select); 2316 bases into the intron before coding-DNA position 2620, C replaced by T.
Molecular consequence: intron variant.
Genome position (GRCh38, 1-based): chr7:117,600,510, C>T. VCF-style: chr7-117600510-C-T. GRCh37 (hg19) VCF-style: chr7-117240564-C-T.
Identifiers: ClinVar variation 4280026 (VCV004280026.1).